The following is an entry in ClinVar:

NM_001042424.3(NSD2):c.2349G>A (p.Met783Ile)

Gene: NSD2 (nuclear receptor binding SET domain protein 2; plus strand). Cytogenetic location: 4p16.3.
Variant type: single nucleotide variant.
Coding change: c.2349G>A on transcript NM_001042424.3 (MANE Select); coding-DNA position 2349, G replaced by A.
Protein change: p.Met783Ile; replaces methionine 783 with isoleucine.
Molecular consequence: missense variant.
Genome position (GRCh38, 1-based): chr4:1,955,171, G>A. VCF-style: chr4-1955171-G-A. GRCh37 (hg19) VCF-style: chr4-1956898-G-A.
Other names: c.2349G>A, p.Met783Ile (NM_001440892.1, NM_001440894.1, NM_001440895.1 and 3 more transcripts); c.2448G>A, p.Met816Ile (NM_001440893.1); c.2148G>A, p.Met716Ile (NM_001440896.1); c.2142G>A, p.Met714Ile (NM_001440897.1, NM_001440898.1); c.1380G>A, p.Met460Ile (NM_001440899.1, NM_001440900.1); short protein forms M460I, M714I, M716I, M783I, M816I.
Identifiers: ClinVar variation 5019669 (VCV005019669.2).
Genomic context (GRCh38, chr4:1,955,171, plus strand): 5'-TGACTGGAGTCAGTGTTTGGGGTCCTTAGGGTGTGTTTCTTTGCCTTCAGGTAAAATGAT[G>A]CGGTGTGTCCGCTGCCCCGTTGCCTATCACAGCGGGGATGCTTGTCTGGCAGCAGGATGC-3'
Protein context (NP_001035889.1, residues 773-793): SNPRPSKGKM[Met783Ile]RCVRCPVAYH

ClinVar aggregate classification (germline): Uncertain significance (1 of 4 stars; one submission).

Conditions:
Rauch-Steindl syndrome (RAUST). Identifiers: Orphanet 659642, MedGen C5562061, MONDO:0859219, OMIM 619695.

Submission:

Juno Genomics, Hangzhou Juno Genomics, Inc
Classification: Uncertain significance for Rauch-Steindl syndrome. Review status: criteria provided, single submitter. Criteria: ACMG Guidelines, 2015. Collection method: clinical testing. Allele origin: germline.
Comment: Absent from controls (or at extremely low frequency if recessive) in Genome Aggregation Database.;Missense variant in a gene that has a low rate of benign missense variation.